The following is an entry in ClinVar:

NM_001292063.2(OTOG):c.4314C>T (p.Val1438=)

Gene: OTOG (otogelin; plus strand). Cytogenetic location: 11p15.1.
Variant type: single nucleotide variant.
Coding change: c.4314C>T on transcript NM_001292063.2 (MANE Select); coding-DNA position 4314, C replaced by T.
Protein change: p.Val1438=; no amino-acid change (valine 1438 retained).
Molecular consequence: synonymous variant.
Genome position (GRCh38, 1-based): chr11:17,609,169, C>T. VCF-style: chr11-17609169-C-T. GRCh37 (hg19) VCF-style: chr11-17630716-C-T.
Other names: c.4350C>T, p.Val1450= (NM_001277269.2).
Identifiers: ClinVar variation 1216333 (VCV001216333.9), dbSNP rs150138913, ClinGen allele CA5905839.

ClinVar aggregate classification (germline): Conflicting classifications of pathogenicity. Review status: criteria provided, conflicting classifications (1 of 4 stars). 3 submissions from 3 submitters: Uncertain significance (1); Benign (1); Likely benign (1). Last evaluated 2025-09-17.

Allele frequency attached by ClinVar (database versions not stated): gnomAD exomes 0.00006 and 0.00019; ExAC 0.00019; gnomAD 0.00082 and 0.00088; TOPMed 0.00084; 1000 Genomes Project 30x 0.00094; 1000 Genomes Project 0.00100.
gnomAD v4.1: 217 of 1,550,560 alleles (0.014%); highest among the groups gnomAD compares: African/African-American, 0.26%; no homozygotes.

Submissions (3):

Labcorp Genetics (formerly Invitae), Labcorp
Classification: Benign. Last evaluated: 2025-09-17. Review status: criteria provided, single submitter. Criteria: Invitae Variant Classification Sherloc (09022015). Collection method: clinical testing. Allele origin: germline.

Blueprint Genetics
Classification: Likely benign. Last evaluated: 2024-04-06. Review status: criteria provided, single submitter. Criteria: ACMG Guidelines, 2015. Collection method: clinical testing. Allele origin: germline.

GeneDx
Classification: Uncertain significance. Last evaluated: 2021-05-21. Review status: criteria provided, single submitter. Criteria: GeneDx Variant Classification Process June 2021. Collection method: clinical testing. Allele origin: germline. Affected: yes.
Comment: In silico analysis supports that this variant does not alter splicing; Has not been previously published as pathogenic or benign to our knowledge; Observed together withvariant L814QandR579Q (phase unknown) in twoindividuals with hearing loss tested at GeneDx